The following is an entry in ClinVar:

NM_000094.4(COL7A1):c.5524G>A (p.Gly1842Arg)

Gene: COL7A1 (collagen type VII alpha 1 chain; minus strand). Cytogenetic location: 3p21.31.
Variant type: single nucleotide variant.
Coding change: c.5524G>A on transcript NM_000094.4 (MANE Select); coding-DNA position 5524, G replaced by A.
Protein change: p.Gly1842Arg; replaces glycine 1842 with arginine.
Molecular consequence: missense variant.
Genome position (GRCh38, 1-based): chr3:48,578,329, C>T on the plus strand (G>A on the coding strand, the complement: COL7A1 is on the minus strand). VCF-style: chr3-48578329-C-T. GRCh37 (hg19) VCF-style: chr3-48615762-C-T.
Other names: short protein forms G1842R.
Identifiers: ClinVar variation 2989965 (VCV002989965.3), dbSNP rs2531034158, ClinGen allele CA352671675.

ClinVar aggregate classification (germline): Uncertain significance (1 of 4 stars; one submission).

Submission:

Labcorp Genetics (formerly Invitae), Labcorp
Classification: Uncertain significance. Last evaluated: 2023-04-25. Review status: criteria provided, single submitter. Criteria: Invitae Variant Classification Sherloc (09022015). Collection method: clinical testing. Allele origin: germline.
Comment: This variant has not been reported in the literature in individuals affected with COL7A1-related conditions. This variant is not present in population databases (gnomAD no frequency). This sequence change replaces glycine, which is neutral and non-polar, with arginine, which is basic and polar, at codon 1842 of the COL7A1 protein (p.Gly1842Arg). Advanced modeling of protein sequence and biophysical properties (such as structural, functional, and spatial information, amino acid conservation, physicochemical variation, residue mobility, and thermodynamic stability) performed at Invitae indicates that this missense variant is expected to disrupt COL7A1 protein function. In summary, the available evidence is currently insufficient to determine the role of this variant in disease. Therefore, it has been classified as a Variant of Uncertain Significance. This variant disrupts the triple helix domain of COL7A1. Glycine residues within the Gly-Xaa-Yaa repeats of the triple helix domain are required for the structure and stability of fibrillar collagens (PMID: 7695699, 8218237, 19344236), and variants at these glycine residues in COL7A1 are more frequently observed in individuals with disease than in the general population (PMID: 22058051). However, the clinical significance of this observation remains uncertain since only a limited number of affected individuals have been described to date.

Literature cited by the submitters: PubMed 7695699; PubMed 8218237; PubMed 19344236; PubMed 22058051.